The following is an entry in ClinVar:

ClinVar aggregate classification (germline): Pathogenic/Likely pathogenic. Review status: criteria provided, multiple submitters, no conflicts (2 of 4 stars). 8 submissions from 8 submitters: Pathogenic (1); Likely pathogenic (5). 2 of the submissions do not count toward it. Last evaluated 2025-08-16.

Conditions:
Autosomal recessive nonsyndromic hearing loss 4 (DFNB4). Also called: NEUROSENSORY NONSYNDROMIC RECESSIVE DEAFNESS 4; Enlarged vestibular aqueduct, digenic; DEAFNESS, AUTOSOMAL RECESSIVE 4, WITH ENLARGED VESTIBULAR AQUEDUCT, DIGENIC; Nonsyndromic enlarged vestibular aqueduct (NSEVA); FOXI1-Related Pendred Syndrome; KCNJ10-Related Pendred Syndrome. Identifiers: Orphanet 90636, MedGen C3538946, MONDO:0010933, OMIM 600791.
Pendred syndrome (PDS). Also called: DEAFNESS WITH GOITER; GOITER-DEAFNESS SYNDROME; HYPOTHYROIDISM, CONGENITAL, DUE TO DYSHORMONOGENESIS, 2B; Pendred Syndrome (PDS); THYROID DYSHORMONOGENESIS 2B; THYROID HORMONOGENESIS, GENETIC DEFECT IN, 2B. Identifiers: Orphanet 705, MedGen C0271829, MONDO:0010134, OMIM 274600.
Hearing loss, autosomal recessive. Also called: Autosomal recessive nonsyndromic deafness; Nonsyndromic Hearing Loss, Recessive; Deafness, autosomal recessive; Rare autosomal recessive non-syndromic sensorineural deafness type DFNB. Identifiers: Orphanet 90635, Orphanet 90636, MedGen C1846647, MONDO:0019588, OMIM 607197.
Monogenic hearing loss.

Allele frequency attached by ClinVar (database versions not stated): gnomAD below 0.00001 and 0.00001; gnomAD exomes 0.00001 and 0.00002; ExAC 0.00004.
gnomAD v4.1: 13 of 1,613,654 alleles (0.00081%); highest among the groups gnomAD compares: South Asian, 0.014%; no homozygotes.

Submissions (8):

Genetics Laboratory, Great Ormond Street Hospital NHS Foundation Trust, North Thames Genomic Laboratory Hub
Classification: Likely pathogenic for Monogenic hearing loss. Last evaluated: 2025-08-16. Review status: criteria provided, single submitter. Criteria: ACGS Best Practice Guidelines for Variant Classification in Rare Disease 2024 v1.2. Collection method: clinical testing. Allele origin: germline. Affected: yes.
Comment: PM2_moderate, PP3_supporting, PM5_moderate, PM3_moderate, PP4_supporting

Fulgent Genetics
Classification: Likely pathogenic for Pendred syndrome; Autosomal recessive nonsyndromic hearing loss 4. Last evaluated: 2024-03-23. Review status: criteria provided, single submitter. Criteria: ACMG Guidelines, 2015. Collection method: clinical testing. Allele origin: germline.

Women's Health and Genetics/Laboratory Corporation of America, LabCorp
Classification: Likely pathogenic for Pendred syndrome. Last evaluated: 2024-03-21. Review status: criteria provided, single submitter. Criteria: LabCorp Variant Classification Summary - May 2015. Collection method: clinical testing. Allele origin: germline.
Comment: Variant summary: SLC26A4 c.416G>T (p.Gly139Val) results in a non-conservative amino acid change located in the SLC26A/SulP transporter domain (IPR011547; also described as the third transmembrane domain of Pendrin in Reiisi_2014) of the encoded protein sequence. Five of five in-silico tools predict a damaging effect of the variant on protein function. Several computational tools predict a significant impact on normal splicing: One predicts the variant abolishes a canonical 3' acceptor site and two predict the variant weakens this site. Two predict the variant strengthens a cryptic 3' acceptor site. However, these predictions have yet to be confirmed by functional studies. The variant allele was found at a frequency of 1.9e-05 in 257564 control chromosomes (gnomAD and publication data). c.416G>T has been reported in the literature in individuals affected with Pendred Syndrome or non-syndromic hearing loss (Anwar_2009, Yan_2013, Chai_2013, Reiisi_2014, Koohiyan_2021, Wu_2022) and this variant co-segregated with the disease in at least two families (Anwar_2009, Reiisi_2014). These data indicate that the variant is likely to be associated with disease. Additionally, missense variants in the same residue (G139A and G139E) have been reported in patients with Pendred syndrome in the Human Gene Mutation Database (e.g. Liu_2020, PMID: 9618166), supporting the functional importance of this residue of the protein. To our knowledge, no experimental evidence demonstrating an impact on protein function has been reported. The following publications have been ascertained in the context of this evaluation (PMID: 23918157, 28941661, 19287372, 27771369, 31971949, 31700827, 32447495, 26683941, 26100058, 25317404, 30303587, 23296490, 33614372, 35982127). ClinVar contains an entry for this variant (Variation ID: 996638). Based on the evidence outlined above, the variant was classified as likely pathogenic.

Baylor Genetics
Classification: Likely pathogenic for Autosomal recessive nonsyndromic hearing loss 4. Last evaluated: 2023-05-09. Review status: criteria provided, single submitter. Criteria: ACMG Guidelines, 2015. Collection method: clinical testing. Allele origin: unknown.

Labcorp Genetics (formerly Invitae), Labcorp
Classification: Pathogenic. Last evaluated: 2022-08-20. Review status: criteria provided, single submitter. Criteria: Invitae Variant Classification Sherloc (09022015). Collection method: clinical testing. Allele origin: germline.
Comment: This sequence change replaces glycine, which is neutral and non-polar, with valine, which is neutral and non-polar, at codon 139 of the SLC26A4 protein (p.Gly139Val). This variant is present in population databases (rs756272252, gnomAD 0.02%). This missense change has been observed in individuals with SLC26A4-related conditions (PMID: 19287372, 23918157, 25317404, 31700827). It has also been observed to segregate with disease in related individuals. ClinVar contains an entry for this variant (Variation ID: 996638). Algorithms developed to predict the effect of missense changes on protein structure and function are either unavailable or do not agree on the potential impact of this missense change (SIFT: "Deleterious"; PolyPhen-2: "Probably Damaging"; Align-GVGD: "Class C0"). Algorithms developed to predict the effect of sequence changes on RNA splicing suggest that this variant may disrupt the consensus splice site. This variant disrupts the p.Gly139 amino acid residue in SLC26A4. Other variant(s) that disrupt this residue have been observed in individuals with SLC26A4-related conditions (PMID: 9618166), which suggests that this may be a clinically significant amino acid residue. For these reasons, this variant has been classified as Pathogenic.

3billion
Classification: Likely pathogenic for Autosomal recessive nonsyndromic hearing loss 4. Last evaluated: 2022-03-22. Review status: criteria provided, single submitter. Criteria: ACMG Guidelines, 2015. Collection method: clinical testing. Allele origin: germline. Affected: yes. Observed: 1 homozygote.
Comment: Same nucleotide change resulting in same amino acid change has been previously reported to be associated with SLC26A4 related disorder (ClinVar ID: VCV000996638, PMID:19287372). The variant has been reported to be in trans with a pathogenic variant as either compound heterozygous or homozygous in at least one similarly affected unrelated individual (PMID: 23918157). Different pathogenic/likely pathogenic amino acid change has been reported with supporting evidence at the same codon (PMID:32447495,9618166). In silico tool predictions suggest damaging effect of the variant on gene or gene product(REVEL: 0.985>=0.6, 3CNET: 0.984>=0.75). A missense variant is a common mechanism . The variant is observed at an extremely low frequency in the gnomAD v2.1.1 dataset (total allele frequency:0.0000199). Therefore, this variant is classified as likely pathogenic according to the recommendation of ACMG/AMP guideline.

Natera, Inc.
Classification: Likely pathogenic for Pendred syndrome. Last evaluated: 2021-05-04. Review status: no assertion criteria provided. Collection method: clinical testing. Allele origin: germline. Not counted in ClinVar's aggregate classification.

University of Washington Center for Mendelian Genomics, University of Washington
Classification: Likely pathogenic for non-syndromic autosomal recessive hearing loss. Review status: no assertion criteria provided. Collection method: research. Allele origin: inherited. Affected: yes. Not counted in ClinVar's aggregate classification.

Literature cited by the submitters: PubMed 23918157 (cited by 3 submitters); PubMed 28941661 (cited by Women's Health and Genetics/Laboratory Corporation of America, LabCorp); PubMed 19287372 (cited by 3 submitters); PubMed 27771369 (cited by Women's Health and Genetics/Laboratory Corporation of America, LabCorp); PubMed 31971949 (cited by Women's Health and Genetics/Laboratory Corporation of America, LabCorp); PubMed 31700827 (cited by Women's Health and Genetics/Laboratory Corporation of America, LabCorp and Labcorp Genetics (formerly Invitae), Labcorp); PubMed 32447495 (cited by Women's Health and Genetics/Laboratory Corporation of America, LabCorp and 3billion); PubMed 26683941 (cited by Women's Health and Genetics/Laboratory Corporation of America, LabCorp); PubMed 26100058 (cited by Women's Health and Genetics/Laboratory Corporation of America, LabCorp); PubMed 25317404 (cited by Women's Health and Genetics/Laboratory Corporation of America, LabCorp and Labcorp Genetics (formerly Invitae), Labcorp); PubMed 30303587 (cited by Women's Health and Genetics/Laboratory Corporation of America, LabCorp and University of Washington Center for Mendelian Genomics, University of Washington); PubMed 23296490 (cited by Women's Health and Genetics/Laboratory Corporation of America, LabCorp); PubMed 35982127 (cited by Women's Health and Genetics/Laboratory Corporation of America, LabCorp); PubMed 33614372 (cited by Women's Health and Genetics/Laboratory Corporation of America, LabCorp); PubMed 9618166 (cited by Labcorp Genetics (formerly Invitae), Labcorp and 3billion).

NM_000441.2(SLC26A4):c.416G>T (p.Gly139Val)

Gene: SLC26A4 (solute carrier family 26 member 4; plus strand). Cytogenetic location: 7q22.3.
Variant type: single nucleotide variant.
Coding change: c.416G>T on transcript NM_000441.2 (MANE Select); coding-DNA position 416, G replaced by T.
Protein change: p.Gly139Val; replaces glycine 139 with valine.
Molecular consequence: missense variant.
Genome position (GRCh38, 1-based): chr7:107,674,164, G>T. VCF-style: chr7-107674164-G-T. GRCh37 (hg19) VCF-style: chr7-107314609-G-T.
Other names: short protein forms G139V.
Identifiers: ClinVar variation 996638 (VCV000996638.22), dbSNP rs756272252, ClinGen allele CA4432473.